The following is an entry in ClinVar:

ClinVar aggregate classification (germline): Pathogenic. Review status: criteria provided, single submitter (1 of 4 stars). 2 submissions from 2 submitters: Pathogenic (1). 1 of the submissions does not count toward it. Last evaluated 2023-06-30.

Conditions:
Hereditary cancer-predisposing syndrome. Also called: Tumor predisposition; Neoplastic Syndromes, Hereditary; Hereditary Cancer Syndrome; Hereditary neoplastic syndrome. Identifiers: Orphanet 140162, MedGen C0027672, MeSH D009386, MONDO:0015356.
Juvenile polyposis syndrome (JPS). Identifiers: Orphanet 2929, MedGen C0345893, MONDO:0017380, OMIM 174900.

Submissions (2):

Ambry Genetics
Classification: Pathogenic for Hereditary cancer-predisposing syndrome. Last evaluated: 2023-06-30. Review status: criteria provided, single submitter. Criteria: Ambry Variant Classification Scheme 2023. Collection method: clinical testing. Allele origin: germline.
Comment: The c.961delC pathogenic mutation, located in coding exon 8 of the BMPR1A gene, results from a deletion of one nucleotide at nucleotide position 961, causing a translational frameshift with a predicted alternate stop codon. This mutation has been reported in multiple individuals with juvenile polyposis (Howe JR et al. Nat. Genet., 2001 Jun;28:184-7; Howe JR et al. J. Med. Genet., 2004 Jul;41:484-91). In addition to the clinical data presented in the literature, this alteration is expected to result in loss of function by premature protein truncation or nonsense-mediated mRNA decay. As such, this alteration is interpreted as a disease-causing mutation.

OMIM
Classification: Pathogenic for JUVENILE POLYPOSIS SYNDROME. Last evaluated: 2001-06-01. Review status: no assertion criteria provided. Collection method: literature only. Allele origin: germline. Not counted in ClinVar's aggregate classification.

Literature cited by the submitters: PubMed 11381269 (cited by Ambry Genetics and OMIM); PubMed 15235019 (cited by Ambry Genetics).

NM_004329.3(BMPR1A):c.961del (p.Phe320_Leu321insTer)

Gene: BMPR1A (bone morphogenetic protein receptor type 1A; plus strand). Cytogenetic location: 10q23.2.
Variant type: Deletion.
Coding change: c.961del on transcript NM_004329.3 (MANE Select); coding-DNA position 961, one base deleted (C; older notation c.961delC).
Protein change: p.Phe320_Leu321insTer.
Molecular consequence: nonsense.
Genome position (GRCh38, 1-based): chr10:86,919,264, C deleted; the last of 2 consecutive C bases (chr10:86,919,263-86,919,264); deleting either gives the same sequence. VCF-style (leftmost placement, unchanged base first): chr10-86919262-TC-T. GRCh37 (hg19) VCF-style: chr10-88679019-TC-T.
Other names: 1-BP DEL, 961C; c.961delC (NM_004329.2).
Identifiers: ClinVar variation 486814 (VCV000486814.7), dbSNP rs1554891044, ClinGen allele CA658657988.